The following is an entry in ClinVar:

ClinVar aggregate classification (germline): Uncertain significance. Review status: criteria provided, multiple submitters, no conflicts (2 of 4 stars). 2 submissions from 2 submitters: Uncertain significance (2). Last evaluated 2024-09-10.

Allele frequency attached by ClinVar (database versions not stated): ExAC 0.00001; gnomAD 0.00001.

Submissions (2):

Ambry Genetics
Classification: Uncertain significance. Last evaluated: 2024-09-10. Review status: criteria provided, single submitter. Criteria: Ambry Variant Classification Scheme 2023. Collection method: clinical testing. Allele origin: germline.

Labcorp Genetics (formerly Invitae), Labcorp
Classification: Uncertain significance. Last evaluated: 2021-10-24. Review status: criteria provided, single submitter. Criteria: Invitae Variant Classification Sherloc (09022015). Collection method: clinical testing. Allele origin: germline.
Comment: In summary, the available evidence is currently insufficient to determine the role of this variant in disease. Therefore, it has been classified as a Variant of Uncertain Significance. Algorithms developed to predict the effect of missense changes on protein structure and function are either unavailable or do not agree on the potential impact of this missense change (SIFT: "Deleterious"; PolyPhen-2: "Probably Damaging"; Align-GVGD: "Class C0"). This variant has not been reported in the literature in individuals affected with SBF1-related conditions. This variant is present in population databases (rs780146082, ExAC 0.01%). This sequence change replaces proline with leucine at codon 1017 of the SBF1 protein (p.Pro1017Leu). The proline residue is highly conserved and there is a moderate physicochemical difference between proline and leucine.

NM_002972.4(SBF1):c.3050C>T (p.Pro1017Leu)

Gene: SBF1 (SET binding factor 1; minus strand). Cytogenetic location: 22q13.33.
Variant type: single nucleotide variant.
Coding change: c.3050C>T on transcript NM_002972.4 (MANE Select); coding-DNA position 3050, C replaced by T.
Protein change: p.Pro1017Leu; replaces proline 1017 with leucine.
Molecular consequence: missense variant.
Genome position (GRCh38, 1-based): chr22:50,460,630, G>A on the plus strand (C>T on the coding strand, the complement: SBF1 is on the minus strand). VCF-style: chr22-50460630-G-A. GRCh37 (hg19) VCF-style: chr22-50899059-G-A.
Other names: c.3053C>T, p.Pro1018Leu (NM_001365819.1); c.3050C>T (NM_002972.2); short protein forms P1017L, P1018L.
Identifiers: ClinVar variation 1462961 (VCV001462961.5), dbSNP rs780146082, ClinGen allele CA10316906.